The following is an entry in ClinVar:

ClinVar aggregate classification (germline): Uncertain significance. Review status: criteria provided, multiple submitters, no conflicts (2 of 4 stars). 2 submissions from 2 submitters: Uncertain significance (2). Last evaluated 2026-06-16.

Conditions:
Familial cancer of breast. Also called: Hereditary breast cancer; BREAST CANCER, FAMILIAL; hereditary breast carcinoma. Identifiers: Orphanet 227535, MedGen C0346153, MONDO:0016419, OMIM 114480. Disease mechanism: loss of function.
Hereditary cancer-predisposing syndrome. Also called: Neoplastic Syndromes, Hereditary; Hereditary Cancer Syndrome; Tumor predisposition; Hereditary neoplastic syndrome. Identifiers: Orphanet 140162, MedGen C0027672, MeSH D009386, MONDO:0015356.

Submissions (2):

Ambry Genetics
Classification: Uncertain significance for Hereditary cancer-predisposing syndrome. Last evaluated: 2026-06-16. Review status: criteria provided, single submitter. Criteria: Ambry Variant Classification Scheme 2023. Collection method: clinical testing. Allele origin: germline.
Comment: The p.R189G variant (also known as c.565A>G), located in coding exon 4 of the PALB2 gene, results from an A to G substitution at nucleotide position 565. The arginine at codon 189 is replaced by glycine, an amino acid with dissimilar properties. This amino acid position is conserved. In addition, this alteration is predicted to be tolerated by in silico analysis. Based on the available evidence, the clinical significance of this variant remains unclear.

Labcorp Genetics (formerly Invitae), Labcorp
Classification: Uncertain significance for Familial cancer of breast. Last evaluated: 2020-05-27. Review status: criteria provided, single submitter. Criteria: Invitae Variant Classification Sherloc (09022015). Collection method: clinical testing. Allele origin: germline.
Comment: This sequence change replaces arginine with glycine at codon 189 of the PALB2 protein (p.Arg189Gly). The arginine residue is moderately conserved and there is a moderate physicochemical difference between arginine and glycine. This variant is not present in population databases (ExAC no frequency). This variant has not been reported in the literature in individuals with PALB2-related conditions. Algorithms developed to predict the effect of missense changes on protein structure and function output the following: SIFT: "Tolerated"; PolyPhen-2: "Benign"; Align-GVGD: "Class C0". The glycine amino acid residue is found in multiple mammalian species, suggesting that this missense change does not adversely affect protein function. These predictions have not been confirmed by published functional studies and their clinical significance is uncertain. In summary, the available evidence is currently insufficient to determine the role of this variant in disease. Therefore, it has been classified as a Variant of Uncertain Significance.

NM_024675.4(PALB2):c.565A>G (p.Arg189Gly)

Gene: PALB2 (partner and localizer of BRCA2; minus strand). Cytogenetic location: 16p12.2.
Variant type: single nucleotide variant.
Coding change: c.565A>G on transcript NM_024675.4 (MANE Select); coding-DNA position 565, A replaced by G.
Protein change: p.Arg189Gly; replaces arginine 189 with glycine.
Molecular consequence: missense variant.
Genome position (GRCh38, 1-based): chr16:23,635,981, T>C on the plus strand (A>G on the coding strand, the complement: PALB2 is on the minus strand). VCF-style: chr16-23635981-T-C. GRCh37 (hg19) VCF-style: chr16-23647302-T-C.
Other names: short protein forms R189G.
Identifiers: ClinVar variation 961499 (VCV000961499.11), dbSNP rs1967037808, ClinGen allele CA395136815.